The following is an entry in ClinVar:

NM_001042492.3(NF1):c.1984A>T (p.Lys662Ter)

Gene: NF1 (neurofibromin 1; plus strand). Cytogenetic location: 17q11.2.
Variant type: single nucleotide variant.
Coding change: c.1984A>T on transcript NM_001042492.3 (MANE Select); coding-DNA position 1984, A replaced by T.
Protein change: p.Lys662Ter; replaces lysine 662 with a stop codon.
Molecular consequence: nonsense.
Genome position (GRCh38, 1-based): chr17:31,225,233, A>T. VCF-style: chr17-31225233-A-T. GRCh37 (hg19) VCF-style: chr17-29552251-A-T.
Other names: c.1984A>T, p.Lys662Ter (NM_000267.4); short protein forms K662*.
Identifiers: ClinVar variation 641164 (VCV000641164.5), dbSNP rs1597710793, ClinGen allele CA399005594.

ClinVar aggregate classification (germline): Pathogenic (1 of 4 stars; one submission).

Conditions:
Neurofibromatosis, type 1 (NF1). Also called: NEUROFIBROMATOSIS, TYPE I, SOMATIC; VON RECKLINGHAUSEN DISEASE; Neurofibromatosis, type I; Peripheral type neurofibromatosis. Identifiers: Orphanet 636, MedGen C0027831, MONDO:0018975, OMIM 162200. Disease mechanism: loss of function.

Submission:

Labcorp Genetics (formerly Invitae), Labcorp
Classification: Pathogenic for Neurofibromatosis, type 1. Last evaluated: 2021-07-09. Review status: criteria provided, single submitter. Criteria: Invitae Variant Classification Sherloc (09022015). Collection method: clinical testing. Allele origin: germline.
Comment: ClinVar contains an entry for this variant (Variation ID: 641164). For these reasons, this variant has been classified as Pathogenic. This variant has not been reported in the literature in individuals affected with NF1-related conditions. This sequence change creates a premature translational stop signal (p.Lys662*) in the NF1 gene. It is expected to result in an absent or disrupted protein product. Loss-of-function variants in NF1 are known to be pathogenic (PMID: 10712197, 23913538). This variant is not present in population databases (ExAC no frequency).

Literature cited by the submitters: PubMed 10712197; PubMed 23913538.